The following is an entry in ClinVar:

NM_004239.4(TRIP11):c.4604T>C (p.Met1535Thr)

Gene: TRIP11 (thyroid hormone receptor interactor 11; minus strand). Cytogenetic location: 14q32.12.
Variant type: single nucleotide variant.
Coding change: c.4604T>C on transcript NM_004239.4 (MANE Select); coding-DNA position 4604, T replaced by C.
Protein change: p.Met1535Thr; replaces methionine 1535 with threonine.
Molecular consequence: missense variant.
Genome position (GRCh38, 1-based): chr14:92,000,062, A>G on the plus strand (T>C on the coding strand, the complement: TRIP11 is on the minus strand). VCF-style: chr14-92000062-A-G. GRCh37 (hg19) VCF-style: chr14-92466406-A-G.
Other names: c.4601T>C, p.Met1534Thr (NM_001321851.1); short protein forms M1534T, M1535T.
Identifiers: ClinVar variation 2793739 (VCV002793739.3), dbSNP rs370729603, ClinGen allele CA7313411.
Genomic context (GRCh38, chr14:92,000,062, plus strand): 5'-TGTTTCAGGGCCAACATGACTTGGTCTCTCTCCTGTTGAAACACAACTGTCTTCTCCTGC[A>G]TTGATTTAACTGCATTTAAAAGCTGATTTAACTCTCCAGTCTTGCCCTTTTGGAAAGAAA-3'
Protein context (NP_004230.2, residues 1525-1545): LNQLLNAVKS[Met1535Thr]QEKTVVFQQE

ClinVar aggregate classification (germline): Uncertain significance (1 of 4 stars; one submission).

Conditions:
Achondrogenesis, type IA (ACG1A). Identifiers: Orphanet 932, Orphanet 93299, MedGen C0265273, MONDO:0008701, OMIM 200600.

Allele frequency attached by ClinVar (database versions not stated): gnomAD exomes below 0.00001; ExAC 0.00001; gnomAD 0.00001; TOPMed 0.00001; ESP Exome Variant Server 0.00008.

Submission:

Labcorp Genetics (formerly Invitae), Labcorp
Classification: Uncertain significance for Achondrogenesis, type IA. Last evaluated: 2023-10-28. Review status: criteria provided, single submitter. Criteria: Invitae Variant Classification Sherloc (09022015). Collection method: clinical testing. Allele origin: germline.
Comment: This sequence change replaces methionine, which is neutral and non-polar, with threonine, which is neutral and polar, at codon 1535 of the TRIP11 protein (p.Met1535Thr). This variant is present in population databases (rs370729603, gnomAD 0.008%). This variant has not been reported in the literature in individuals affected with TRIP11-related conditions. Advanced modeling of protein sequence and biophysical properties (such as structural, functional, and spatial information, amino acid conservation, physicochemical variation, residue mobility, and thermodynamic stability) performed at Invitae indicates that this missense variant is not expected to disrupt TRIP11 protein function with a negative predictive value of 80%. In summary, the available evidence is currently insufficient to determine the role of this variant in disease. Therefore, it has been classified as a Variant of Uncertain Significance.